The following is an entry in ClinVar:

ClinVar aggregate classification (germline): Uncertain significance (1 of 4 stars; one submission).

Conditions:
Duchenne muscular dystrophy (DMD). Also called: MUSCULAR DYSTROPHY, PSEUDOHYPERTROPHIC PROGRESSIVE, DUCHENNE TYPE; Duchenne Muscular Dystrophy (DMD). Identifiers: Orphanet 98896, MedGen C0013264, MONDO:0010679, OMIM 310200.

Submission:

Labcorp Genetics (formerly Invitae), Labcorp
Classification: Uncertain significance for Duchenne muscular dystrophy. Last evaluated: 2022-05-21. Review status: criteria provided, single submitter. Criteria: Invitae Variant Classification Sherloc (09022015). Collection method: clinical testing. Allele origin: germline.
Comment: This sequence change replaces lysine, which is basic and polar, with asparagine, which is neutral and polar, at codon 2391 of the DMD protein (p.Lys2391Asn). In summary, the available evidence is currently insufficient to determine the role of this variant in disease. Therefore, it has been classified as a Variant of Uncertain Significance. Algorithms developed to predict the effect of missense changes on protein structure and function are either unavailable or do not agree on the potential impact of this missense change (SIFT: "Deleterious"; PolyPhen-2: "Benign"; Align-GVGD: "Class C0"). This variant has not been reported in the literature in individuals affected with DMD-related conditions. This variant is not present in population databases (gnomAD no frequency).

NM_004006.3(DMD):c.7173G>C (p.Lys2391Asn)

Gene: DMD (dystrophin; minus strand). Cytogenetic location: Xp21.1.
Variant type: single nucleotide variant.
Coding change: c.7173G>C on transcript NM_004006.3 (MANE Select); coding-DNA position 7173, G replaced by C.
Protein change: p.Lys2391Asn; replaces lysine 2391 with asparagine.
Molecular consequence: missense variant. On other transcripts: 5 prime UTR variant (5).
Genome position (GRCh38, 1-based): chrX:31,836,745, C>G on the plus strand (G>C on the coding strand, the complement: DMD is on the minus strand). VCF-style: chrX-31836745-C-G. GRCh37 (hg19) VCF-style: chrX-31854862-C-G.
Other names: c.7149G>C, p.Lys2383Asn (NM_000109.4); c.7161G>C, p.Lys2387Asn (NM_004009.3); c.6804G>C, p.Lys2268Asn (NM_004010.3); c.3150G>C, p.Lys1050Asn (NM_004011.4); c.3141G>C, p.Lys1047Asn (NM_004012.4); c.-208G>C (NM_004013.3, NM_004020.4, NM_004021.3 and 2 more transcripts); short protein forms K2391N, K1047N, K2383N, K2387N, K2268N, K1050N.
Identifiers: ClinVar variation 1997184 (VCV001997184.4), dbSNP rs760509459, ClinGen allele CA412659272.